The following is an entry in ClinVar:

ClinVar aggregate classification (germline): Benign (1 of 4 stars; one submission).

Allele frequency attached by ClinVar (database versions not stated): gnomAD 0.02242 and 0.02335; TOPMed 0.02439; 1000 Genomes Project 0.03355; 1000 Genomes Project 30x 0.03529.
gnomAD v4.1: 3,380 of 152,158 alleles (2.2%); highest among the groups gnomAD compares: African/African-American, 6.8%; 116 homozygotes.

Submission:

GeneDx
Classification: Benign. Last evaluated: 2018-06-16. Review status: criteria provided, single submitter. Criteria: GeneDx Variant Classification (06012015). Collection method: clinical testing. Allele origin: germline. Affected: yes.
Comment: This variant is considered likely benign or benign based on one or more of the following criteria: it is a conservative change, it occurs at a poorly conserved position in the protein, it is predicted to be benign by multiple in silico algorithms, and/or has population frequency not consistent with disease.

NM_000532.5(PCCB):c.373-1009G>A

Gene: PCCB (propionyl-CoA carboxylase subunit beta; plus strand). Cytogenetic location: 3q22.3.
Variant type: single nucleotide variant.
Coding change: c.373-1009G>A on transcript NM_000532.5 (MANE Select); 1009 bases into the intron before coding-DNA position 373, G replaced by A.
Molecular consequence: intron variant.
Genome position (GRCh38, 1-based): chr3:136,259,470, G>A. VCF-style: chr3-136259470-G-A. GRCh37 (hg19) VCF-style: chr3-135978312-G-A.
Other names: c.432+235G>A (NM_001178014.2).
Identifiers: ClinVar variation 671520 (VCV000671520.1), dbSNP rs76931214, ClinGen allele CA84266671.